The following is an entry in ClinVar:

ClinVar aggregate classification (germline): Uncertain significance (1 of 4 stars; one submission).

Allele frequency attached by ClinVar (database versions not stated): gnomAD exomes below 0.00001.
gnomAD v4.1: 1 of 1,613,886 alleles (0.000062%); highest among the groups gnomAD compares: Non-Finnish European, 0.000085%; no homozygotes.

Submission:

Labcorp Genetics (formerly Invitae), Labcorp
Classification: Uncertain significance. Last evaluated: 2024-10-15. Review status: criteria provided, single submitter. Criteria: Invitae Variant Classification Sherloc (09022015). Collection method: clinical testing. Allele origin: germline.
Comment: This sequence change replaces leucine, which is neutral and non-polar, with phenylalanine, which is neutral and non-polar, at codon 1188 of the NBAS protein (p.Leu1188Phe). This variant is not present in population databases (gnomAD no frequency). This variant has not been reported in the literature in individuals affected with NBAS-related conditions. ClinVar contains an entry for this variant (Variation ID: 2128926). Invitae Evidence Modeling of protein sequence and biophysical properties (such as structural, functional, and spatial information, amino acid conservation, physicochemical variation, residue mobility, and thermodynamic stability) has been performed for this missense variant. However, the output from this modeling did not meet the statistical confidence thresholds required to predict the impact of this variant on NBAS protein function. In summary, the available evidence is currently insufficient to determine the role of this variant in disease. Therefore, it has been classified as a Variant of Uncertain Significance.

NM_015909.4(NBAS):c.3562C>T (p.Leu1188Phe)

Gene: NBAS (NBAS subunit of NRZ tethering complex; minus strand). Cytogenetic location: 2p24.3.
Variant type: single nucleotide variant.
Coding change: c.3562C>T on transcript NM_015909.4 (MANE Select); coding-DNA position 3562, C replaced by T.
Protein change: p.Leu1188Phe; replaces leucine 1188 with phenylalanine.
Molecular consequence: missense variant. On other transcripts: non-coding transcript variant (1).
Genome position (GRCh38, 1-based): chr2:15,379,630, G>A on the plus strand (C>T on the coding strand, the complement: NBAS is on the minus strand). VCF-style: chr2-15379630-G-A. GRCh37 (hg19) VCF-style: chr2-15519754-G-A.
Other names: short protein forms L1188F.
Identifiers: ClinVar variation 2128926 (VCV002128926.4), dbSNP rs2528760315, ClinGen allele CA345896760.